The following is an entry in ClinVar:

ClinVar aggregate classification (germline): Uncertain significance (1 of 4 stars; one submission).

Submission:

ARUP Laboratories, Molecular Genetics and Genomics, ARUP Laboratories
Classification: Uncertain significance. Last evaluated: 2025-01-03. Review status: criteria provided, single submitter. Criteria: ARUP Molecular Germline Variant Investigation Process 2024. Collection method: clinical testing. Allele origin: germline.
Comment: The SLC4A1 c.1564_1566del; p.Glu522del variant, to our knowledge, is not reported in the medical literature or gene specific databases. This variant is also absent from the Genome Aggregation Database (v2.1.1), indicating it is not a common polymorphism. This variant deletes a single glutamate residue leaving the rest of the protein in-frame. Due to limited information, the clinical significance of this variant is uncertain at this time.

NM_000342.4(SLC4A1):c.1564_1566del (p.Glu522del)

Gene: SLC4A1 (solute carrier family 4 member 1 (Diego blood group); minus strand). Cytogenetic location: 17q21.31.
Variant type: Deletion.
Coding change: c.1564_1566del on transcript NM_000342.4 (MANE Select); coding-DNA positions 1564 to 1566, 3 bases deleted (GAG; older notation c.1564_1566delGAG).
Protein change: p.Glu522del; deletes glutamic acid 522.
Molecular consequence: inframe deletion.
Genome position (GRCh38, 1-based): chr17:44,257,410-44,257,412, CTC deleted on the plus strand (GAG on the coding strand, the reverse complement: SLC4A1 is on the minus strand); deleting any 3 consecutive bases within chr17:44,257,410-44,257,414 gives the same sequence; the c. name uses the placement nearest the transcript's 3' end. VCF-style (leftmost placement, unchanged base first): chr17-44257409-TCTC-T. GRCh37 (hg19) VCF-style: chr17-42334777-TCTC-T.
Other names: short protein forms E522del.
Identifiers: ClinVar variation 4685942 (VCV004685942.1).